The following is an entry in ClinVar:

ClinVar aggregate classification (germline): Likely benign. Review status: criteria provided, single submitter (1 of 4 stars). 2 submissions from 2 submitters: Likely benign (1). 1 of the submissions does not count toward it. Last evaluated 2025-01-20.

Conditions:
TSHZ1-related disorder. Also called: TSHZ1-related condition.

Allele frequency attached by ClinVar (database versions not stated): ExAC 0.00002; gnomAD 0.00004; TOPMed 0.00004; ESP Exome Variant Server 0.00008.
gnomAD v4.1: 60 of 1,614,028 alleles (0.0037%); highest among the groups gnomAD compares: Non-Finnish European, 0.0049%; no homozygotes.

Submissions (2):

Ambry Genetics
Classification: Likely benign. Last evaluated: 2025-01-20. Review status: criteria provided, single submitter. Criteria: Ambry Variant Classification Scheme 2023. Collection method: clinical testing. Allele origin: germline.

PreventionGenetics, part of Exact Sciences
Classification: Uncertain significance for TSHZ1-related condition. Last evaluated: 2023-10-31. Review status: no assertion criteria provided. Collection method: clinical testing. Allele origin: germline. Not counted in ClinVar's aggregate classification.
Comment: The TSHZ1 c.946C>T variant is predicted to result in the amino acid substitution p.Pro316Ser. To our knowledge, this variant has not been reported in the literature. This variant is reported in 0.0035% of alleles in individuals of European (Non-Finnish) descent in gnomAD. At this time, the clinical significance of this variant is uncertain due to the absence of conclusive functional and genetic evidence.

NM_001308210.2(TSHZ1):c.1081C>T (p.Pro361Ser)

Gene: TSHZ1 (teashirt zinc finger homeobox 1; plus strand). Cytogenetic location: 18q22.3.
Variant type: single nucleotide variant.
Coding change: c.1081C>T on transcript NM_001308210.2 (MANE Select); coding-DNA position 1081, C replaced by T.
Protein change: p.Pro361Ser; replaces proline 361 with serine.
Molecular consequence: missense variant.
Genome position (GRCh38, 1-based): chr18:75,286,488, C>T. VCF-style: chr18-75286488-C-T. GRCh37 (hg19) VCF-style: chr18-72998443-C-T.
Other names: c.946C>T, p.Pro316Ser (NM_005786.6); c.946C>T (NM_005786.4); short protein forms P316S, P361S.
Identifiers: ClinVar variation 3037097 (VCV003037097.3), dbSNP rs372094271, ClinGen allele CA9001950.
Genomic context (GRCh38, chr18:75,286,488, plus strand): 5'-GTGCCAGCCATCACCAAACTGGTCCCCTCCACCAAAAAGCGGGCGCTTCAGGACCTGGCG[C>T]CCCCCTGCTCCCCTGAGCCAGCAGGAATGGCCGCAGAGGTGGCCCTGAGTGAGTCAGCCA-3'
Protein context (NP_001295139.1, residues 351-371): TKKRALQDLA[Pro361Ser]PCSPEPAGMA